The following is an entry in ClinVar:

ClinVar aggregate classification (germline): Conflicting classifications of pathogenicity. Review status: criteria provided, conflicting classifications (1 of 4 stars). 2 submissions from 2 submitters: Uncertain significance (1); Likely benign (1). Last evaluated 2025-06-02.

Conditions:
Spinocerebellar ataxia type 35. Identifiers: Orphanet 276193, MedGen C3888031, MONDO:0013485, OMIM 613908.

Allele frequency attached by ClinVar (database versions not stated): gnomAD 0.00001; gnomAD exomes 0.00002 and 0.00003; TOPMed 0.00002; ExAC 0.00003.
gnomAD v4.1: 44 of 1,614,098 alleles (0.0027%); highest among the groups gnomAD compares: South Asian, 0.019%; no homozygotes.

Submissions (2):

Labcorp Genetics (formerly Invitae), Labcorp
Classification: Uncertain significance. Last evaluated: 2025-06-02. Review status: criteria provided, single submitter. Criteria: Invitae Variant Classification Sherloc (09022015). Collection method: clinical testing. Allele origin: germline.
Comment: This sequence change affects codon 130 of the TGM6 mRNA. It is a 'silent' change, meaning that it does not change the encoded amino acid sequence of the TGM6 protein. This variant is present in population databases (rs751704232, gnomAD 0.02%). This variant has not been reported in the literature in individuals affected with TGM6-related conditions. ClinVar contains an entry for this variant (Variation ID: 896740). Algorithms developed to predict the effect of sequence changes on RNA splicing suggest that this variant may disrupt the consensus splice site. In summary, the available evidence is currently insufficient to determine the role of this variant in disease. Therefore, it has been classified as a Variant of Uncertain Significance.

Illumina Laboratory Services, Illumina
Classification: Likely benign for Spinocerebellar ataxia type 35. Last evaluated: 2018-01-13. Review status: criteria provided, single submitter. Criteria: ICSL Variant Classification Criteria 13 December 2019. Collection method: clinical testing. Allele origin: germline.
Comment: This variant was observed in the ICSL laboratory as part of a predisposition screen in an ostensibly healthy population. It had not been previously curated by ICSL or reported in the Human Gene Mutation Database (HGMD: prior to June 1st, 2018), and was therefore a candidate for classification through an automated scoring system. Utilizing variant allele frequency, disease prevalence and penetrance estimates, and inheritance mode, an automated score was calculated to assess if this variant is too frequent to cause the disease. Based on the score and internal cut-off values, a variant classified as likely benign is not then subjected to further curation. The score for this variant resulted in a classification of likely benign for this disease.

NM_198994.3(TGM6):c.390C>T (p.Gly130=)

Gene: TGM6 (transglutaminase 6; plus strand). Cytogenetic location: 20p13.
Variant type: single nucleotide variant.
Coding change: c.390C>T on transcript NM_198994.3 (MANE Select); coding-DNA position 390, C replaced by T.
Protein change: p.Gly130=; no amino-acid change (glycine 130 retained).
Molecular consequence: synonymous variant.
Genome position (GRCh38, 1-based): chr20:2,395,402, C>T. VCF-style: chr20-2395402-C-T. GRCh37 (hg19) VCF-style: chr20-2376048-C-T.
Other names: c.390C>T, p.Gly130= (NM_001254734.2).
Identifiers: ClinVar variation 896740 (VCV000896740.7), dbSNP rs751704232, ClinGen allele CA9731624.